The following is an entry in ClinVar:

NM_025074.7(FRAS1):c.7785C>A (p.Thr2595=)

Gene: FRAS1 (Fraser extracellular matrix complex subunit 1; plus strand). Cytogenetic location: 4q21.21.
Variant type: single nucleotide variant.
Coding change: c.7785C>A on transcript NM_025074.7 (MANE Select); coding-DNA position 7785, C replaced by A.
Protein change: p.Thr2595=; no amino-acid change (threonine 2595 retained).
Molecular consequence: synonymous variant.
Genome position (GRCh38, 1-based): chr4:78,475,540, C>A. VCF-style: chr4-78475540-C-A. GRCh37 (hg19) VCF-style: chr4-79396694-C-A.
Identifiers: ClinVar variation 3030670 (VCV003030670.2), dbSNP rs767584374, ClinGen allele CA439976306.

ClinVar aggregate classification (germline): Likely benign (0 of 4 stars; one submission).

Conditions:
FRAS1-related disorder. Also called: FRAS1-related condition.

Submission:

PreventionGenetics, part of Exact Sciences
Classification: Likely benign for FRAS1-related condition. Last evaluated: 2020-12-30. Review status: no assertion criteria provided. Collection method: clinical testing. Allele origin: germline.
Comment: This variant is classified as likely benign based on ACMG/AMP sequence variant interpretation guidelines (Richards et al. 2015 PMID: 25741868, with internal and published modifications).